The following is an entry in ClinVar:

ClinVar aggregate classification (germline): Likely benign. Review status: criteria provided, multiple submitters, no conflicts (2 of 4 stars). 3 submissions from 3 submitters: Likely benign (2). 1 of the submissions does not count toward it. Last evaluated 2025-04-01.

Conditions:
ZNF462-related disorder. Also called: ZNF462-related condition; ZNF462 related disease.

Allele frequency attached by ClinVar (database versions not stated): TOPMed 0.00025; gnomAD 0.00045; ExAC 0.00046; 1000 Genomes Project 30x 0.00187; 1000 Genomes Project 0.00220.
gnomAD v4.1: 901 of 1,606,864 alleles (0.056%); highest among the groups gnomAD compares: East Asian, 0.2%; no homozygotes.

Submissions (3):

CeGaT Center for Human Genetics Tuebingen
Classification: Likely benign. Last evaluated: 2025-04-01. Review status: criteria provided, single submitter. Criteria: CeGaT Center For Human Genetics Tuebingen Variant Classification Criteria Version 2. Collection method: clinical testing. Allele origin: germline. Affected: yes. Observed: 1 variant allele.
Comment: ZNF462: BP4, BP7, BS1

Blueprint Genetics
Classification: Likely benign. Last evaluated: 2024-11-06. Review status: criteria provided, single submitter. Criteria: ACMG Guidelines, 2015. Collection method: clinical testing. Allele origin: germline.

PreventionGenetics, part of Exact Sciences
Classification: Likely benign for ZNF462-related condition. Last evaluated: 2019-10-28. Review status: no assertion criteria provided. Collection method: clinical testing. Allele origin: germline. Not counted in ClinVar's aggregate classification.
Comment: This variant is classified as likely benign based on ACMG/AMP sequence variant interpretation guidelines (Richards et al. 2015 PMID: 25741868, with internal and published modifications).

NM_021224.6(ZNF462):c.1644G>A (p.Pro548=)

Gene: ZNF462 (zinc finger protein 462; plus strand). Cytogenetic location: 9q31.2.
Variant type: single nucleotide variant.
Coding change: c.1644G>A on transcript NM_021224.6 (MANE Select); coding-DNA position 1644, G replaced by A.
Protein change: p.Pro548=; no amino-acid change (proline 548 retained).
Molecular consequence: synonymous variant.
Genome position (GRCh38, 1-based): chr9:106,925,556, G>A. VCF-style: chr9-106925556-G-A. GRCh37 (hg19) VCF-style: chr9-109687837-G-A.
Other names: c.1644G>A, p.Pro548= (NM_001347997.2).
Identifiers: ClinVar variation 3045926 (VCV003045926.10), dbSNP rs199560820, ClinGen allele CA5171368.